The following is an entry in ClinVar:

NM_015155.3(LARP4B):c.142-7651G>A

Gene: LARP4B (La ribonucleoprotein 4B; minus strand). Cytogenetic location: 10p15.3.
Variant type: single nucleotide variant.
Coding change: c.142-7651G>A on transcript NM_015155.3 (MANE Select); 7651 bases into the intron before coding-DNA position 142, G replaced by A.
Molecular consequence: intron variant.
Genome position (GRCh38, 1-based): chr10:871,921, C>T on the plus strand (G>A on the coding strand, the complement: LARP4B is on the minus strand). VCF-style: chr10-871921-C-T. GRCh37 (hg19) VCF-style: chr10-917861-C-T.
Other names: c.142-7651G>A (NM_001351277.2).
Identifiers: ClinVar variation 3905431 (VCV003905431.10).

ClinVar aggregate classification (germline): Likely benign (1 of 4 stars; one submission).

gnomAD v4.1: 37 of 152,256 alleles (0.024%); highest among the groups gnomAD compares: East Asian, 0.54%; no homozygotes.

Submission:

CeGaT Center for Human Genetics Tuebingen
Classification: Likely benign. Last evaluated: 2025-06-01. Review status: criteria provided, single submitter. Criteria: CeGaT Center For Human Genetics Tuebingen Variant Classification Criteria Version 2. Collection method: clinical testing. Allele origin: germline. Affected: yes. Observed: 1 variant allele.
Comment: LARP4B: BP4, BP7